The following is an entry in ClinVar:

NM_000038.6(APC):c.370G>C (p.Val124Leu)

Gene: APC (APC regulator of Wnt signaling pathway; plus strand). Cytogenetic location: 5q22.2.
Variant type: single nucleotide variant.
Coding change: c.370G>C on transcript NM_000038.6 (MANE Select); coding-DNA position 370, G replaced by C.
Protein change: p.Val124Leu; replaces valine 124 with leucine.
Molecular consequence: missense variant. On other transcripts: 5 prime UTR variant (1).
Genome position (GRCh38, 1-based): chr5:112,767,338, G>C. VCF-style: chr5-112767338-G-C. GRCh37 (hg19) VCF-style: chr5-112103035-G-C.
Other names: c.370G>C, p.Val124Leu (NM_001127510.3, NM_001354895.2, NM_001354896.2 and 2 more transcripts); c.400G>C, p.Val134Leu (NM_001127511.3, NM_001354897.2, NM_001354902.2); c.295G>C, p.Val99Leu (NM_001354898.2, NM_001354904.2); c.193G>C, p.Val65Leu (NM_001354900.2, NM_001354901.2, NM_001354905.2); c.-666G>C (NM_001354906.2); c.370G>C (NM_000038.5); short protein forms V99L, V134L, V124L, V65L.
Identifiers: ClinVar variation 1495316 (VCV001495316.9), dbSNP rs779945112, ClinGen allele CA036325.

ClinVar aggregate classification (germline): Uncertain significance. Review status: criteria provided, multiple submitters, no conflicts (2 of 4 stars). 2 submissions from 2 submitters: Uncertain significance (2). Last evaluated 2025-12-13.

Conditions:
Hereditary cancer-predisposing syndrome. Also called: Tumor predisposition; Hereditary neoplastic syndrome; Neoplastic Syndromes, Hereditary; Hereditary Cancer Syndrome. Identifiers: Orphanet 140162, MedGen C0027672, MeSH D009386, MONDO:0015356.
Familial adenomatous polyposis 1 (FAP1). Also called: FAMILIAL ADENOMATOUS POLYPOSIS 1, ATTENUATED; POLYPOSIS, ADENOMATOUS INTESTINAL. Identifiers: MedGen C2713442, MONDO:0021056, OMIM 175100. Disease mechanism: loss of function.

Allele frequency attached by ClinVar (database versions not stated): gnomAD exomes below 0.00001; ExAC 0.00001.
gnomAD v4.1: 1 of 1,614,160 alleles (0.000062%); highest among the groups gnomAD compares: East Asian, 0.0022%; no homozygotes.

Submissions (2):

Labcorp Genetics (formerly Invitae), Labcorp
Classification: Uncertain significance for Familial adenomatous polyposis 1. Last evaluated: 2025-12-13. Review status: criteria provided, single submitter. Criteria: Invitae Variant Classification Sherloc (09022015). Collection method: clinical testing. Allele origin: germline.
Comment: This sequence change replaces valine, which is neutral and non-polar, with leucine, which is neutral and non-polar, at codon 124 of the APC protein (p.Val124Leu). This variant is present in population databases (rs779945112, gnomAD 0.006%). This variant has not been reported in the literature in individuals affected with APC-related conditions. ClinVar contains an entry for this variant (Variation ID: 1495316). Invitae Evidence Modeling of protein sequence and biophysical properties (such as structural, functional, and spatial information, amino acid conservation, physicochemical variation, residue mobility, and thermodynamic stability) indicates that this missense variant is not expected to disrupt APC protein function with a negative predictive value of 95%. In summary, the available evidence is currently insufficient to determine the role of this variant in disease. Therefore, it has been classified as a Variant of Uncertain Significance.

Ambry Genetics
Classification: Uncertain significance for Hereditary cancer-predisposing syndrome. Last evaluated: 2024-11-08. Review status: criteria provided, single submitter. Criteria: Ambry Variant Classification Scheme 2023. Collection method: clinical testing. Allele origin: germline.
Comment: The p.V124L variant (also known as c.370G>C), located in coding exon 3 of the APC gene, results from a G to C substitution at nucleotide position 370. The valine at codon 124 is replaced by leucine, an amino acid with highly similar properties. This amino acid position is well conserved in available vertebrate species. In addition, in silico predictors for this gene do not accurately predict pathogenicity. Missense alterations in APC are not a common cause of disease (Spier I et al. Genet Med. 2024 Feb;26(2):100992). Based on the available evidence, the clinical significance of this variant remains unclear.